The following is an entry in ClinVar:

NM_001165963.4(SCN1A):c.2520G>T (p.Val840=)

Gene: SCN1A (sodium voltage-gated channel alpha subunit 1; minus strand). Cytogenetic location: 2q24.3.
Variant type: single nucleotide variant.
Coding change: c.2520G>T on transcript NM_001165963.4 (MANE Select); coding-DNA position 2520, G replaced by T.
Protein change: p.Val840=; no amino-acid change (valine 840 retained).
Molecular consequence: synonymous variant. On other transcripts: non-coding transcript variant (1).
Genome position (GRCh38, 1-based): chr2:166,039,492, C>A on the plus strand (G>T on the coding strand, the complement: SCN1A is on the minus strand). VCF-style: chr2-166039492-C-A. GRCh37 (hg19) VCF-style: chr2-166896002-C-A.
Other names: c.2436G>T, p.Val812= (NM_001165964.3, NM_001353957.2, NM_001353958.2); c.2520G>T, p.Val840= (NM_001202435.3, NM_001353948.2); c.2487G>T, p.Val829= (NM_001353949.2, NM_001353950.2, NM_001353951.2 and 2 more transcripts); c.2484G>T, p.Val828= (NM_001353954.2, NM_001353955.2); c.2433G>T, p.Val811= (NM_001353960.2); c.78G>T, p.Val26= (NM_001353961.2).
Identifiers: ClinVar variation 1097636 (VCV001097636.35), dbSNP rs757851017, ClinGen allele CA1943099.
Genomic context (GRCh38, chr2:166,039,492, plus strand): 5'-TGAACGGAGAACAGATAATCCTTCCACATTGGCGAGTCCAAGTTCTACCAGGCTAAGCGT[C>A]ACAATAAAACCGTCAAAGATATTCCAGCCTTCTTGGAAATAATAGTAAGGATCCATGGCA-3'
Protein context (NP_001159435.1, residues 830-850): EGWNIFDGFI[Val840=]TLSLVELGLA

ClinVar aggregate classification (germline): Conflicting classifications of pathogenicity. Review status: criteria provided, conflicting classifications (1 of 4 stars). 3 submissions from 3 submitters: Uncertain significance (1); Likely benign (2). Last evaluated 2025-09-02.

Conditions:
Early-infantile DEE. Also called: Early infantile epileptic encephalopathy; Ohtahara syndrome; Early infantile epileptic encephalopathy with suppression bursts. Identifiers: Orphanet 1934, MedGen C0393706, MONDO:0800491.

Allele frequency attached by ClinVar (database versions not stated): ExAC 0.00001; gnomAD 0.00001; gnomAD exomes 0.00001 and 0.00002.
gnomAD v4.1: 12 of 1,613,116 alleles (0.00074%); highest among the groups gnomAD compares: Admixed American, 0.005%; no homozygotes.

Submissions (3):

Labcorp Genetics (formerly Invitae), Labcorp
Classification: Likely benign for Early-infantile DEE. Last evaluated: 2025-09-02. Review status: criteria provided, single submitter. Criteria: Invitae Variant Classification Sherloc (09022015). Collection method: clinical testing. Allele origin: germline.

CeGaT Center for Human Genetics Tuebingen
Classification: Likely benign. Last evaluated: 2023-04-01. Review status: criteria provided, single submitter. Criteria: CeGaT Center For Human Genetics Tuebingen Variant Classification Criteria Version 2. Collection method: clinical testing. Allele origin: germline. Affected: yes. Observed: 1 variant allele.
Comment: SCN1A: BP4, BP7

GeneDx
Classification: Uncertain significance. Last evaluated: 2020-08-25. Review status: criteria provided, single submitter. Criteria: GeneDx Variant Classification Process June 2021. Collection method: clinical testing. Allele origin: germline. Affected: yes.
Comment: Has not been previously published as pathogenic or benign to our knowledge; In-silico analysis, which includes splice predictors and evolutionary conservation, is inconclusive as to whether the variant alters gene splicing. In the absence of RNA/functional studies, the actual effect of this sequence change is unknown.